The following is an entry in ClinVar:

ClinVar aggregate classification (germline): Uncertain significance. Review status: criteria provided, multiple submitters, no conflicts (2 of 4 stars). 2 submissions from 2 submitters: Uncertain significance (2). Last evaluated 2026-07-06.

Conditions:
Oligodontia-cancer predisposition syndrome. Also called: TOOTH AGENESIS-COLORECTAL CANCER SYNDROME. Identifiers: Orphanet 300576, MedGen C1837750, MONDO:0012075, OMIM 608615. Disease mechanism: loss of function.
Hereditary cancer-predisposing syndrome. Also called: Neoplastic Syndromes, Hereditary; Tumor predisposition; Hereditary Cancer Syndrome; Hereditary neoplastic syndrome. Identifiers: Orphanet 140162, MedGen C0027672, MeSH D009386, MONDO:0015356.

Submissions (2):

Ambry Genetics
Classification: Uncertain significance for Hereditary cancer-predisposing syndrome. Last evaluated: 2026-07-06. Review status: criteria provided, single submitter. Criteria: Ambry Variant Classification Scheme 2023. Collection method: clinical testing. Allele origin: germline.
Comment: The p.D824G variant (also known as c.2471A>G), located in coding exon 10 of the AXIN2 gene, results from an A to G substitution at nucleotide position 2471. The aspartic acid at codon 824 is replaced by glycine, an amino acid with similar properties. This amino acid position is conserved. In addition, this alteration is predicted to be deleterious by in silico analysis. Based on the available evidence, the clinical significance of this variant remains unclear.

Labcorp Genetics (formerly Invitae), Labcorp
Classification: Uncertain significance for Oligodontia-cancer predisposition syndrome. Last evaluated: 2025-11-13. Review status: criteria provided, single submitter. Criteria: Invitae Variant Classification Sherloc (09022015). Collection method: clinical testing. Allele origin: germline.
Comment: This sequence change replaces aspartic acid, which is acidic and polar, with glycine, which is neutral and non-polar, at codon 824 of the AXIN2 protein (p.Asp824Gly). This variant is not present in population databases (gnomAD no frequency). This variant has not been reported in the literature in individuals affected with AXIN2-related conditions. Invitae Evidence Modeling of protein sequence and biophysical properties (such as structural, functional, and spatial information, amino acid conservation, physicochemical variation, residue mobility, and thermodynamic stability) indicates that this missense variant is expected to disrupt AXIN2 protein function with a positive predictive value of 80%. In summary, the available evidence is currently insufficient to determine the role of this variant in disease. Therefore, it has been classified as a Variant of Uncertain Significance.

NM_004655.4(AXIN2):c.2471A>G (p.Asp824Gly)

Gene: AXIN2 (axin 2; minus strand). Cytogenetic location: 17q24.1.
Variant type: single nucleotide variant.
Coding change: c.2471A>G on transcript NM_004655.4 (MANE Select); coding-DNA position 2471, A replaced by G.
Protein change: p.Asp824Gly; replaces aspartic acid 824 with glycine.
Molecular consequence: missense variant.
Genome position (GRCh38, 1-based): chr17:65,530,037, T>C on the plus strand (A>G on the coding strand, the complement: AXIN2 is on the minus strand). VCF-style: chr17-65530037-T-C. GRCh37 (hg19) VCF-style: chr17-63526155-T-C.
Other names: c.2276A>G, p.Asp759Gly (NM_001363813.1); short protein forms D759G, D824G.
Identifiers: ClinVar variation 4807605 (VCV004807605.2).